The following is an entry in ClinVar:

ClinVar aggregate classification (germline): Uncertain significance (1 of 4 stars; one submission).

Conditions:
Hypertrophic cardiomyopathy 9. Also called: Familial hypertrophic cardiomyopathy 9. Identifiers: MedGen C1861065, MONDO:0013412, OMIM 613765.
Dilated cardiomyopathy 1G (CMD1G). Identifiers: Orphanet 154, MedGen C1858763, MONDO:0011400, OMIM 604145.

Allele frequency attached by ClinVar (database versions not stated): TOPMed below 0.00001; gnomAD 0.00001.
gnomAD v4.1: 3 of 1,613,510 alleles (0.00019%); highest among the groups gnomAD compares: Non-Finnish European, 0.00025%; no homozygotes.

Submission:

New York Genome Center
Classification: Uncertain significance for Dilated cardiomyopathy 1G; Hypertrophic cardiomyopathy 9. Last evaluated: 2022-03-18. Review status: criteria provided, single submitter. Criteria: NYGC Assertion Criteria 2020. Collection method: clinical testing. Allele origin: germline. Observed: 1 heterozygote.
Comment: The c.26653T>G (p. Ser8885Ala) missense variant in the TTN gene identified in exon 92 (of 363) has not been reported in affected individuals in the literature. The variant has 0.000006572 allele frequency in the gnomAD (v3.1.2) databases (1 out of 152150 heterozygous alleles, no homozygotes). The variant affects a moderately conserved residue (Ser8885) located in the Ig-like domain of I-Band region (PMID: 33996946, Refer Figure S4) of TTN protein. In silico tools provide conflicting predictions about the potential pathogenicity of this variant (CADD score = 22.4, REVEL score = 0.041). Based on the available evidence, the c.26653T>G (p. Ser8885Ala) missense variant identified in the TTN gene is reported as a Variant of UncertainSignificance.

NM_001267550.2(TTN):c.26653T>G (p.Ser8885Ala)

Gene: TTN (titin; minus strand). Cytogenetic location: 2q31.2.
Variant type: single nucleotide variant.
Coding change: c.26653T>G on transcript NM_001267550.2 (MANE Select); coding-DNA position 26653, T replaced by G.
Protein change: p.Ser8885Ala; replaces serine 8885 with alanine.
Molecular consequence: missense variant. On other transcripts: intron variant (3).
Genome position (GRCh38, 1-based): chr2:178,714,005, A>C on the plus strand (T>G on the coding strand, the complement: TTN is on the minus strand). VCF-style: chr2-178714005-A-C. GRCh37 (hg19) VCF-style: chr2-179578732-A-C.
Other names: c.25702T>G, p.Ser8568Ala (NM_001256850.1); c.22921T>G, p.Ser7641Ala (NM_133378.4); c.13282+24077T>G (NM_003319.4); c.13858+24077T>G (NM_133437.4); c.13657+24077T>G (NM_133432.3); short protein forms S7641A, S8568A, S8885A.
Identifiers: ClinVar variation 2502184 (VCV002502184.2), dbSNP rs2077087035, ClinGen allele CA349466625.
Genomic context (GRCh38, chr2:178,714,005, plus strand): 5'-GCACCTCAAAACTGTATACCCCACTGTCACTCGGTGCTACATTGATGATCTTAAGGCCGG[A>C]TACTTTGTTGAAGAAGCTTATTTTGTATTTGTTGTCACTTGTTAGCTCTTTTCCATCCTT-3'
Protein context (NP_001254479.2, residues 8875-8895): KYKISFFNKV[Ser8885Ala]GLKIINVAPS